The following is an entry in ClinVar:

NM_152468.5(TMC8):c.495G>C (p.Arg165Ser)

Gene: TMC8 (transmembrane channel like 8; plus strand). Cytogenetic location: 17q25.3.
Variant type: single nucleotide variant.
Coding change: c.495G>C on transcript NM_152468.5 (MANE Select); coding-DNA position 495, G replaced by C.
Protein change: p.Arg165Ser; replaces arginine 165 with serine.
Molecular consequence: missense variant.
Genome position (GRCh38, 1-based): chr17:78,132,834, G>C. VCF-style: chr17-78132834-G-C. GRCh37 (hg19) VCF-style: chr17-76128915-G-C.
Other names: short protein forms R165S.
Identifiers: ClinVar variation 859477 (VCV000859477.1), dbSNP rs761860622, ClinGen allele CA8796475.

ClinVar aggregate classification (germline): Uncertain significance (1 of 4 stars; one submission).

Conditions:
Epidermodysplasia verruciformis. Identifiers: Orphanet 302, MedGen C0014522, MONDO:0009176.

Allele frequency attached by ClinVar (database versions not stated): ExAC 0.00001; gnomAD 0.00001; gnomAD exomes 0.00001; TOPMed 0.00001.
gnomAD v4.1: 104 of 1,614,128 alleles (0.0064%); highest among the groups gnomAD compares: Non-Finnish European, 0.0087%; no homozygotes.

Submission:

Labcorp Genetics (formerly Invitae), Labcorp
Classification: Uncertain significance for Epidermodysplasia verruciformis. Last evaluated: 2019-03-26. Review status: criteria provided, single submitter. Criteria: Invitae Variant Classification Sherloc (09022015). Collection method: clinical testing. Allele origin: germline.
Comment: This sequence change replaces arginine with serine at codon 165 of the TMC8 protein (p.Arg165Ser). The arginine residue is weakly conserved and there is a moderate physicochemical difference between arginine and serine. This variant is present in population databases (rs761860622, ExAC 0.002%). This variant has not been reported in the literature in individuals with TMC8-related conditions. Algorithms developed to predict the effect of missense changes on protein structure and function output the following: SIFT: "Tolerated"; PolyPhen-2: "Benign"; Align-GVGD: "Class C0". The serine amino acid residue is found in multiple mammalian species, suggesting that this missense change does not adversely affect protein function. These predictions have not been confirmed by published functional studies and their clinical significance is uncertain. In summary, the available evidence is currently insufficient to determine the role of this variant in disease. Therefore, it has been classified as a Variant of Uncertain Significance.